The following is an entry in ClinVar:

NM_000532.5(PCCB):c.1059_1063del (p.Ile354fs)

Gene: PCCB (propionyl-CoA carboxylase subunit beta; plus strand). Cytogenetic location: 3q22.3.
Variant type: Deletion.
Coding change: c.1059_1063del on transcript NM_000532.5 (MANE Select); coding-DNA positions 1059 to 1063, 5 bases deleted (AATTG; older notation c.1059_1063delAATTG).
Protein change: p.Ile354fs; shifts the reading frame from isoleucine 354.
Molecular consequence: frameshift variant.
Genome position (GRCh38, 1-based): chr3:136,317,033-136,317,037, AATTG deleted; deleting any 5 consecutive bases within chr3:136,317,032-136,317,037 gives the same sequence; the c. name uses the placement nearest the transcript's 3' end. VCF-style (leftmost placement, unchanged base first): chr3-136317031-GGAATT-G. GRCh37 (hg19) VCF-style: chr3-136035873-GGAATT-G.
Other names: c.1119_1123del, p.Ile374fs (NM_001178014.2); short protein forms I374fs, I354fs.
Identifiers: ClinVar variation 4993675 (VCV004993675.1).

ClinVar aggregate classification (germline): Likely pathogenic (1 of 4 stars; one submission).

Conditions:
PCCB-related disorder. Also called: PCCB-related condition.

Submission:

PreventionGenetics, part of Exact Sciences
Classification: Likely pathogenic for PCCB-related condition. Last evaluated: 2025-10-28. Review status: criteria provided, single submitter. Criteria: ACMG Guidelines, 2015. Collection method: clinical testing. Allele origin: germline.
Comment: The PCCB c.1059_1063del5 variant is predicted to result in a frameshift and premature protein termination (p.Ile354Trpfs*5). To our knowledge, this variant has not been reported in the literature or in a large population database (gnomAD), indicating this variant is rare. Frameshift variants in PCCB are expected to be pathogenic. This variant is interpreted as likely pathogenic.